The following is an entry in ClinVar:

ClinVar aggregate classification (germline): Pathogenic (1 of 4 stars; one submission).

Submission:

CeGaT Center for Human Genetics Tuebingen
Classification: Pathogenic. Last evaluated: 2024-11-01. Review status: criteria provided, single submitter. Criteria: CeGaT Center For Human Genetics Tuebingen Variant Classification Criteria Version 2. Collection method: clinical testing. Allele origin: germline. Affected: yes. Observed: 1 variant allele.
Comment: FLNC: PVS1, PM2

NM_001458.5(FLNC):c.4288+1del

Gene: FLNC (filamin C; plus strand). Cytogenetic location: 7q32.1.
Variant type: Deletion.
Coding change: c.4288+1del on transcript NM_001458.5 (MANE Select); the canonical splice donor site of the intron after coding-DNA position 4288, one base deleted (G; older notation c.4288+1delG).
Molecular consequence: splice donor variant.
Genome position (GRCh38, 1-based): chr7:128,846,906, G deleted; the last of 2 consecutive G bases (chr7:128,846,905-128,846,906); deleting either gives the same sequence. VCF-style (leftmost placement, unchanged base first): chr7-128846904-AG-A. GRCh37 (hg19) VCF-style: chr7-128486958-AG-A.
Other names: c.4288+1del (NM_001127487.2).
Identifiers: ClinVar variation 3389808 (VCV003389808.14).